The following is an entry in ClinVar:

NM_002474.3(MYH11):c.818G>A (p.Arg273His)

Gene: MYH11 (myosin heavy chain 11; minus strand). Cytogenetic location: 16p13.11.
Variant type: single nucleotide variant.
Coding change: c.818G>A on transcript NM_002474.3 (MANE Select); coding-DNA position 818, G replaced by A.
Protein change: p.Arg273His; replaces arginine 273 with histidine.
Molecular consequence: missense variant.
Genome position (GRCh38, 1-based): chr16:15,776,149, C>T on the plus strand (G>A on the coding strand, the complement: MYH11 is on the minus strand). VCF-style: chr16-15776149-C-T. GRCh37 (hg19) VCF-style: chr16-15870006-C-T.
Other names: c.839G>A, p.Arg280His (NM_001040113.2, NM_001040114.2); c.818G>A, p.Arg273His (NM_022844.3); short protein forms R273H, R280H.
Identifiers: ClinVar variation 3297368 (VCV003297368.1).

ClinVar aggregate classification (germline): Uncertain significance (1 of 4 stars; one submission).

Conditions:
Familial thoracic aortic aneurysm and aortic dissection (TAAD). Also called: Thoracic aortic aneurysms and dissections. Identifiers: Orphanet 91387, MedGen C4707243, MONDO:0019625.

gnomAD v4.1: 4 of 1,613,954 alleles (0.00025%); highest among the groups gnomAD compares: East Asian, 0.0022%; no homozygotes.

Submission:

Ambry Genetics
Classification: Uncertain significance for Familial thoracic aortic aneurysm and aortic dissection. Last evaluated: 2024-06-17. Review status: criteria provided, single submitter. Criteria: Ambry Variant Classification Scheme 2023. Collection method: clinical testing. Allele origin: germline.
Comment: The p.R273H variant (also known as c.818G>A), located in coding exon 7 of the MYH11 gene, results from a G to A substitution at nucleotide position 818. The arginine at codon 273 is replaced by histidine, an amino acid with highly similar properties. This amino acid position is conserved. In addition, the in silico prediction for this alteration is inconclusive. Based on the available evidence, the clinical significance of this variant remains unclear.